The following is an entry in ClinVar:

NM_013391.3(DMGDH):c.336C>T (p.Ser112=)

Gene: DMGDH (dimethylglycine dehydrogenase; minus strand). Cytogenetic location: 5q14.1.
Variant type: single nucleotide variant.
Coding change: c.336C>T on transcript NM_013391.3 (MANE Select); coding-DNA position 336, C replaced by T.
Protein change: p.Ser112=; no amino-acid change (serine 112 retained).
Molecular consequence: synonymous variant.
Genome position (GRCh38, 1-based): chr5:79,055,849, G>A on the plus strand (C>T on the coding strand, the complement: DMGDH is on the minus strand). VCF-style: chr5-79055849-G-A. GRCh37 (hg19) VCF-style: chr5-78351672-G-A.
Identifiers: ClinVar variation 386035 (VCV000386035.1), dbSNP rs1057522402, ClinGen allele CA16605410.

ClinVar aggregate classification (germline): Likely benign (1 of 4 stars; one submission).

Allele frequency attached by ClinVar (database versions not stated): gnomAD exomes below 0.00001.
gnomAD v4.1: 2 of 1,612,374 alleles (0.00012%); highest among the groups gnomAD compares: African/African-American, 0.0013%; no homozygotes.

Submission:

GeneDx
Classification: Likely benign. Last evaluated: 2016-05-25. Review status: criteria provided, single submitter. Criteria: GeneDx Variant Classification (06012015). Collection method: clinical testing. Allele origin: germline. Affected: yes.
Comment: This variant is considered likely benign or benign based on one or more of the following criteria: it is a conservative change, it occurs at a poorly conserved position in the protein, it is predicted to be benign by multiple in silico algorithms, and/or has population frequency not consistent with disease.